The following is an entry in ClinVar:

ClinVar aggregate classification (germline): Conflicting classifications of pathogenicity. Review status: criteria provided, conflicting classifications (1 of 4 stars). 2 submissions from 2 submitters: Uncertain significance (1); Likely benign (1). Last evaluated 2026-01-20.

Conditions:
Epilepsy, familial adult myoclonic, 5 (EPEO5). Also called: CORTICAL MYOCLONIC TREMOR WITH EPILEPSY, FAMILIAL, 5. Identifiers: Orphanet 86814, MedGen C3809374, MONDO:0014167, OMIM 615400.

gnomAD v4.1: 6 of 1,605,958 alleles (0.00037%); highest among the groups gnomAD compares: Non-Finnish European, 0.00043%; no homozygotes.

Submissions (2):

Ambry Genetics
Classification: Likely benign. Last evaluated: 2026-01-20. Review status: criteria provided, single submitter. Criteria: Ambry Variant Classification Scheme 2023. Collection method: clinical testing. Allele origin: germline.

Labcorp Genetics (formerly Invitae), Labcorp
Classification: Uncertain significance for Epilepsy, familial adult myoclonic, 5. Last evaluated: 2022-07-06. Review status: criteria provided, single submitter. Criteria: Invitae Variant Classification Sherloc (09022015). Collection method: clinical testing. Allele origin: germline.
Comment: This sequence change affects codon 266 of the CNTN2 mRNA. It is a 'silent' change, meaning that it does not change the encoded amino acid sequence of the CNTN2 protein. It affects a nucleotide within the consensus splice site. This variant is not present in population databases (gnomAD no frequency). This variant has not been reported in the literature in individuals affected with CNTN2-related conditions. Algorithms developed to predict the effect of sequence changes on RNA splicing suggest that this variant is not likely to affect RNA splicing. In summary, the available evidence is currently insufficient to determine the role of this variant in disease. Therefore, it has been classified as a Variant of Uncertain Significance.

NM_005076.5(CNTN2):c.798C>T (p.Asn266=)

Gene: CNTN2 (contactin 2; plus strand). Cytogenetic location: 1q32.1.
Variant type: single nucleotide variant.
Coding change: c.798C>T on transcript NM_005076.5 (MANE Select); coding-DNA position 798, C replaced by T.
Protein change: p.Asn266=; no amino-acid change (asparagine 266 retained).
Molecular consequence: synonymous variant. On other transcripts: non-coding transcript variant (1).
Genome position (GRCh38, 1-based): chr1:205,061,245, C>T. VCF-style: chr1-205061245-C-T. GRCh37 (hg19) VCF-style: chr1-205030373-C-T.
Other names: c.798C>T (NM_005076.3); c.798C>T, p.Asn266= (NM_001346083.2).
Identifiers: ClinVar variation 2417208 (VCV002417208.8), dbSNP rs2526363594, ClinGen allele CA422877737.